The following is an entry in ClinVar:

NM_000369.5(TSHR):c.22C>T (p.Gln8Ter)

Genes: CEP128 (centrosomal protein 128; minus strand), TSHR (thyroid stimulating hormone receptor; plus strand). Cytogenetic location: 14q31.1.
Variant type: single nucleotide variant.
Coding change: c.22C>T on transcript NM_000369.5 (MANE Select); coding-DNA position 22, C replaced by T.
Protein change: p.Gln8Ter; replaces glutamine 8 with a stop codon.
Molecular consequence: nonsense.
Genome position (GRCh38, 1-based): chr14:80,955,702, C>T. VCF-style: chr14-80955702-C-T. GRCh37 (hg19) VCF-style: chr14-81422046-C-T.
Other names: c.22C>T, p.Gln8Ter (NM_001018036.3, NM_001142626.3); short protein forms Q8*.
Identifiers: ClinVar variation 2770278 (VCV002770278.3), dbSNP rs1886625440, ClinGen allele CA390770465.

ClinVar aggregate classification (germline): Pathogenic (1 of 4 stars; one submission).

Submission:

Labcorp Genetics (formerly Invitae), Labcorp
Classification: Pathogenic. Last evaluated: 2024-02-12. Review status: criteria provided, single submitter. Criteria: Invitae Variant Classification Sherloc (09022015). Collection method: clinical testing. Allele origin: germline.
Comment: This sequence change creates a premature translational stop signal (p.Gln8*) in the TSHR gene. It is expected to result in an absent or disrupted protein product. Loss-of-function variants in TSHR are known to be pathogenic (PMID: 8954020). This variant is not present in population databases (gnomAD no frequency). This variant has not been reported in the literature in individuals affected with TSHR-related conditions. For these reasons, this variant has been classified as Pathogenic.

Literature cited by the submitters: PubMed 8954020.